The following is an entry in ClinVar:

NM_001037.5(SCN1B):c.449-3C>T

Gene: SCN1B (sodium voltage-gated channel beta subunit 1; plus strand). Cytogenetic location: 19q13.11.
Variant type: single nucleotide variant.
Coding change: c.449-3C>T on transcript NM_001037.5 (MANE Select); 3 bases into the intron before coding-DNA position 449, C replaced by T.
Molecular consequence: intron variant.
Genome position (GRCh38, 1-based): chr19:35,039,114, C>T. VCF-style: chr19-35039114-C-T. GRCh37 (hg19) VCF-style: chr19-35530018-C-T.
Other names: c.350-3C>T (NM_001321605.2).
Identifiers: ClinVar variation 1433414 (VCV001433414.6), dbSNP rs370937269, ClinGen allele CA632754809.

ClinVar aggregate classification (germline): Uncertain significance (1 of 4 stars; one submission).

Conditions:
Brugada syndrome 5 (BRGDA5). Identifiers: Orphanet 130, Orphanet 871, MedGen C2748541, MONDO:0013015, OMIM 612838.

gnomAD v4.1: 2 of 1,614,156 alleles (0.00012%); highest among the groups gnomAD compares: East Asian, 0.0045%; no homozygotes.

Submission:

Labcorp Genetics (formerly Invitae), Labcorp
Classification: Uncertain significance for Brugada syndrome 5. Last evaluated: 2022-08-10. Review status: criteria provided, single submitter. Criteria: Invitae Variant Classification Sherloc (09022015). Collection method: clinical testing. Allele origin: germline.
Comment: In summary, the available evidence is currently insufficient to determine the role of this variant in disease. Therefore, it has been classified as a Variant of Uncertain Significance. Variants that disrupt the consensus splice site are a relatively common cause of aberrant splicing (PMID: 17576681, 9536098). Experimental studies and prediction algorithms are not available or were not evaluated, and the effect of this variant on mRNA splicing is currently unknown. This variant has not been reported in the literature in individuals affected with SCN1B-related conditions. This variant is present in population databases (no rsID available, gnomAD 0.01%). This sequence change falls in intron 3 of the SCN1B gene. It does not directly change the encoded amino acid sequence of the SCN1B protein. It affects a nucleotide within the consensus splice site. The SCN1B gene has multiple clinically relevant transcripts. This variant occurs in alternate transcript NM_001037.5, and corresponds to NM_199037.3:c.*5016C>T in the primary transcript.

Literature cited by the submitters: PubMed 17576681; PubMed 9536098.